The following is an entry in ClinVar:

NM_000350.3(ABCA4):c.4762A>T (p.Asn1588Tyr)

Genes: ABCA4 (ATP binding cassette subfamily A member 4; minus strand), LOC126805793 (CDK7 strongly-dependent group 2 enhancer GRCh37_chr1:94486302-94487501; plus strand). Cytogenetic location: 1p22.1.
Variant type: single nucleotide variant.
Coding change: c.4762A>T on transcript NM_000350.3 (MANE Select); coding-DNA position 4762, A replaced by T.
Protein change: p.Asn1588Tyr; replaces asparagine 1588 with tyrosine.
Molecular consequence: missense variant.
Genome position (GRCh38, 1-based): chr1:94,021,857, T>A on the plus strand (A>T on the coding strand, the complement: ABCA4 is on the minus strand). VCF-style: chr1-94021857-T-A. GRCh37 (hg19) VCF-style: chr1-94487413-T-A.
Other names: c.4540A>T, p.Asn1514Tyr (NM_001425324.1); short protein forms N1514Y, N1588Y.
Identifiers: ClinVar variation 2907282 (VCV002907282.4), dbSNP rs1571258380, ClinGen allele CA341283793.

ClinVar aggregate classification (germline): Conflicting classifications of pathogenicity. Review status: criteria provided, conflicting classifications (1 of 4 stars). 2 submissions from 2 submitters: Pathogenic (1); Uncertain significance (1). Last evaluated 2025-12-07.

Conditions:
Retinitis pigmentosa 19 (RP19). Also called: ABCA4-Related Retinitis Pigmentosa. Identifiers: Orphanet 791, MedGen C1866422, MONDO:0011137, OMIM 601718.

Submissions (2):

3billion
Classification: Uncertain significance for Retinitis pigmentosa 19. Last evaluated: 2025-12-07. Review status: criteria provided, single submitter. Criteria: ACMG Guidelines, 2015. Collection method: clinical testing. Allele origin: germline. Affected: yes.
Comment: The variant is not observed in the gnomAD v4.1.0 dataset. Predicted Consequence/Location: Missense variant In silico tool predictions suggest damaging effect of the variant on gene or gene product [REVEL: 0.69 (>=0.6, sensitivity 0.68 and specificity 0.92); 3Cnet: 0.90 (> 0.75, sensitivity 0.96 and precision 0.92)]. The same nucleotide change resulting in the same amino acid change has been previously reported to be associated with ABCA4-related disorder (ClinVar ID: VCV002907282). Therefore, this variant is classified as VUS according to the recommendation of ACMG/AMP guideline.

Labcorp Genetics (formerly Invitae), Labcorp
Classification: Pathogenic. Last evaluated: 2023-03-07. Review status: criteria provided, single submitter. Criteria: Invitae Variant Classification Sherloc (09022015). Collection method: clinical testing. Allele origin: germline.
Comment: For these reasons, this variant has been classified as Pathogenic. This sequence change replaces asparagine, which is neutral and polar, with tyrosine, which is neutral and polar, at codon 1588 of the ABCA4 protein (p.Asn1588Tyr). This variant is not present in population databases (gnomAD no frequency). This missense change has been observed in individual(s) with Stargardt disease (PMID: 31144483, 31814693). Advanced modeling of protein sequence and biophysical properties (such as structural, functional, and spatial information, amino acid conservation, physicochemical variation, residue mobility, and thermodynamic stability) performed at Invitae indicates that this missense variant is expected to disrupt ABCA4 protein function. Algorithms developed to predict the effect of sequence changes on RNA splicing suggest that this variant may disrupt the consensus splice site.

Literature cited by the submitters: PubMed 31144483 (cited by Labcorp Genetics (formerly Invitae), Labcorp); PubMed 31814693 (cited by Labcorp Genetics (formerly Invitae), Labcorp).